The following is an entry in ClinVar:

NM_000532.5(PCCB):c.1145A>T (p.Asp382Val)

Gene: PCCB (propionyl-CoA carboxylase subunit beta; plus strand). Cytogenetic location: 3q22.3.
Variant type: single nucleotide variant.
Coding change: c.1145A>T on transcript NM_000532.5 (MANE Select); coding-DNA position 1145, A replaced by T.
Protein change: p.Asp382Val; replaces aspartic acid 382 with valine.
Molecular consequence: missense variant.
Genome position (GRCh38, 1-based): chr3:136,326,857, A>T. VCF-style: chr3-136326857-A-T. GRCh37 (hg19) VCF-style: chr3-136045699-A-T.
Other names: c.1205A>T, p.Asp402Val (NM_001178014.2); short protein forms D402V, D382V.
Identifiers: ClinVar variation 2697147 (VCV002697147.3), dbSNP rs201138170, ClinGen allele CA354648614.
Genomic context (GRCh38, chr3:136,326,857, plus strand): 5'-TTCTAGGATGCTTGGATATTAATTCATCTGTGAAAGGGGCTCGTTTTGTCAGATTCTGTG[A>T]TGCATTCAATATTCCACTCATCACTTTTGTTGATGTCCCTGGCTTTCTACCTGGTAAGTT-3'
Protein context (NP_000523.2, residues 372-392): VKGARFVRFC[Asp382Val]AFNIPLITFV

ClinVar aggregate classification (germline): Likely pathogenic (1 of 4 stars; one submission).

Conditions:
Propionic acidemia (PROP). Also called: GLYCINEMIA, KETOTIC; HYPERGLYCINEMIA WITH KETOACIDOSIS AND LEUKOPENIA; KETOTIC HYPERGLYCINEMIA. Identifiers: Orphanet 35, MedGen C0268579, MONDO:0011628, OMIM 606054, HP:0003571.

Submission:

Labcorp Genetics (formerly Invitae), Labcorp
Classification: Likely pathogenic for Propionic acidemia. Last evaluated: 2023-11-18. Review status: criteria provided, single submitter. Criteria: Invitae Variant Classification Sherloc (09022015). Collection method: clinical testing. Allele origin: germline.
Comment: This sequence change replaces aspartic acid, which is acidic and polar, with valine, which is neutral and non-polar, at codon 382 of the PCCB protein (p.Asp382Val). This variant is not present in population databases (gnomAD no frequency). This variant has not been reported in the literature in individuals affected with PCCB-related conditions. Advanced modeling of protein sequence and biophysical properties (such as structural, functional, and spatial information, amino acid conservation, physicochemical variation, residue mobility, and thermodynamic stability) performed at Invitae indicates that this missense variant is expected to disrupt PCCB protein function with a positive predictive value of 95%. This variant disrupts the p.Asp382 amino acid residue in PCCB. Other variant(s) that disrupt this residue have been determined to be pathogenic (PMID: 30274917). This suggests that this residue is clinically significant, and that variants that disrupt this residue are likely to be disease-causing. In summary, the currently available evidence indicates that the variant is pathogenic, but additional data are needed to prove that conclusively. Therefore, this variant has been classified as Likely Pathogenic.

Literature cited by the submitters: PubMed 30274917.